The following is an entry in ClinVar:

NM_015662.3(IFT172):c.2556G>A (p.Glu852=)

Genes: IFT172 (intraflagellar transport 172; minus strand), LOC126806174 (CDK7 strongly-dependent group 2 enhancer GRCh37_chr2:27681686-27682885; plus strand). Cytogenetic location: 2p23.3.
Variant type: single nucleotide variant.
Coding change: c.2556G>A on transcript NM_015662.3 (MANE Select); coding-DNA position 2556, G replaced by A.
Protein change: p.Glu852=; no amino-acid change (glutamic acid 852 retained).
Molecular consequence: synonymous variant.
Genome position (GRCh38, 1-based): chr2:27,459,795, C>T on the plus strand (G>A on the coding strand, the complement: IFT172 is on the minus strand). VCF-style: chr2-27459795-C-T. GRCh37 (hg19) VCF-style: chr2-27682662-C-T.
Other names: c.2490G>A, p.Glu830= (NM_001410739.1).
Identifiers: ClinVar variation 4874056 (VCV004874056.2).
Genomic context (GRCh38, chr2:27,459,795, plus strand): 5'-TGCATCAAGCTGCTTCTGCTGCACCAGGTGGTCCCCCCATGCCTCCTCTAGTTTCACCAC[C>T]TCCACTGGGAAGGCCAATCGAGCCAGCTCTACCGCTGCCAGGGAGAGAAAAGATGCTCAG-3'
Protein context (NP_056477.1, residues 842-862): VELARLAFPV[Glu852=]VVKLEEAWGD

ClinVar aggregate classification (germline): Likely benign (1 of 4 stars; one submission).

Submission:

CeGaT Center for Human Genetics Tuebingen
Classification: Likely benign. Last evaluated: 2026-05-01. Review status: criteria provided, single submitter. Criteria: CeGaT Center For Human Genetics Tuebingen Variant Classification Criteria Version 2. Collection method: clinical testing. Allele origin: germline. Affected: yes. Observed: 1 variant allele.
Comment: IFT172: PM2:Supporting, BP4, BP7